The following is an entry in ClinVar:

ClinVar aggregate classification (germline): Conflicting classifications of pathogenicity. Review status: criteria provided, conflicting classifications (1 of 4 stars). 5 submissions from 4 submitters: Uncertain significance (4); Likely benign (1). Last evaluated 2025-08-10.

Conditions:
Inborn genetic diseases. Identifiers: MedGen C0950123, MeSH D030342.
Familial cutaneous telangiectasia and oropharyngeal predisposition cancer syndrome. Identifiers: Orphanet 313846, MedGen C3281203, MONDO:0013806, OMIM 614564.
Seckel syndrome 1 (SCKL1). Also called: MICROCEPHALIC PRIMORDIAL DWARFISM I. Identifiers: Orphanet 808, MedGen C4551474, MONDO:0008869, OMIM 210600.

Allele frequency attached by ClinVar (database versions not stated): gnomAD 0.00002 and 0.00003; gnomAD exomes 0.00002 and 0.00006; ExAC 0.00003; TOPMed 0.00003; ESP Exome Variant Server 0.00008.
gnomAD v4.1: 39 of 1,612,782 alleles (0.0024%); highest among the groups gnomAD compares: East Asian, 0.033%; no homozygotes.

Submissions (5):

Ambry Genetics
Classification: Likely benign for Inborn genetic diseases. Last evaluated: 2025-08-10. Review status: criteria provided, single submitter. Criteria: Ambry Variant Classification Scheme 2023. Collection method: clinical testing. Allele origin: germline.

Labcorp Genetics (formerly Invitae), Labcorp
Classification: Uncertain significance. Last evaluated: 2025-05-19. Review status: criteria provided, single submitter. Criteria: Invitae Variant Classification Sherloc (09022015). Collection method: clinical testing. Allele origin: germline.
Comment: This sequence change replaces alanine, which is neutral and non-polar, with threonine, which is neutral and polar, at codon 880 of the ATR protein (p.Ala880Thr). This variant is present in population databases (rs367864862, gnomAD 0.03%). This variant has not been reported in the literature in individuals affected with ATR-related conditions. ClinVar contains an entry for this variant (Variation ID: 1044519). An algorithm developed to predict the effect of missense changes on protein structure and function (PolyPhen-2) suggests that this variant is likely to be disruptive. In summary, the available evidence is currently insufficient to determine the role of this variant in disease. Therefore, it has been classified as a Variant of Uncertain Significance.

Fulgent Genetics
Classification: Uncertain significance for Seckel syndrome 1; Familial cutaneous telangiectasia and oropharyngeal predisposition cancer syndrome. Last evaluated: 2024-04-10. Review status: criteria provided, single submitter. Criteria: ACMG Guidelines, 2015. Collection method: clinical testing. Allele origin: germline.

Genome-Nilou Lab
Classification: Uncertain significance for Seckel syndrome 1. Last evaluated: 2023-02-08. Review status: criteria provided, single submitter. Criteria: ACMG Guidelines, 2015. Collection method: clinical testing. Allele origin: germline.

Genome-Nilou Lab
Classification: Uncertain significance for Familial cutaneous telangiectasia and oropharyngeal predisposition cancer syndrome. Last evaluated: 2023-02-08. Review status: criteria provided, single submitter. Criteria: ACMG Guidelines, 2015. Collection method: clinical testing. Allele origin: germline.

NM_001184.4(ATR):c.2638G>A (p.Ala880Thr)

Gene: ATR (ATR checkpoint kinase; minus strand). Cytogenetic location: 3q23.
Variant type: single nucleotide variant.
Coding change: c.2638G>A on transcript NM_001184.4 (MANE Select); coding-DNA position 2638, G replaced by A.
Protein change: p.Ala880Thr; replaces alanine 880 with threonine.
Molecular consequence: missense variant.
Genome position (GRCh38, 1-based): chr3:142,553,394, C>T on the plus strand (G>A on the coding strand, the complement: ATR is on the minus strand). VCF-style: chr3-142553394-C-T. GRCh37 (hg19) VCF-style: chr3-142272236-C-T.
Other names: c.2446G>A, p.Ala816Thr (NM_001354579.2); short protein forms A880T, A816T.
Identifiers: ClinVar variation 1044519 (VCV001044519.14), dbSNP rs367864862, ClinGen allele CA2650300.